The following is an entry in ClinVar:

NM_000268.4(NF2):c.1574+2T>A

Gene: NF2 (NF2, moesin-ezrin-radixin like (MERLIN) tumor suppressor; plus strand). Cytogenetic location: 22q12.2.
Variant type: single nucleotide variant.
Coding change: c.1574+2T>A on transcript NM_000268.4 (MANE Select); the canonical splice donor site of the intron after coding-DNA position 1574, T replaced by A.
Molecular consequence: splice donor variant. On other transcripts: intron variant (1).
Genome position (GRCh38, 1-based): chr22:29,678,325, T>A. VCF-style: chr22-29678325-T-A. GRCh37 (hg19) VCF-style: chr22-30074314-T-A.
Other names: c.1574+2T>A (NM_016418.5, NM_181832.3, NM_001407060.1 and 2 more transcripts); c.1460+2T>A (NM_001407056.1, NM_001407053.1); c.1343+2T>A (NM_001407067.1); c.1040+2T>A (NM_001407065.1); c.1439+2T>A (NM_001407059.1, NM_001407057.1); c.448-16427T>A (NM_181833.3); c.1451+2T>A (NM_001407058.1, NM_181829.3, NM_001407054.1); c.1316+2T>A (NM_001407062.1); and 2 more.
Identifiers: ClinVar variation 1996528 (VCV001996528.4), dbSNP rs2518714056, ClinGen allele CA411149827.
Genomic context (GRCh38, chr22:29,678,325, plus strand): 5'-TCTTTCGACTTCAAAGATACTGACATGAAGCGGCTTTCCATGGAGATAGAGAAAGAAAAG[T>A]ATGTAGCCCCCTGTGCCCTGCTGTGGGCAGCTGTGAACTAGACTGAGTGATTGGGGCCTT-3'

ClinVar aggregate classification (germline): Pathogenic (1 of 4 stars; one submission).

Conditions:
Neurofibromatosis, type 2 (SWNV). Also called: NF2-Related Schwannomatosis; BILATERAL ACOUSTIC NEUROFIBROMATOSIS; SCHWANNOMATOSIS, VESTIBULAR. Identifiers: Orphanet 637, MedGen C0027832, MONDO:0007039, OMIM 101000. Disease mechanism: loss of function.

Submission:

Labcorp Genetics (formerly Invitae), Labcorp
Classification: Pathogenic for Neurofibromatosis, type 2. Last evaluated: 2022-05-19. Review status: criteria provided, single submitter. Criteria: Invitae Variant Classification Sherloc (09022015). Collection method: clinical testing. Allele origin: germline.
Comment: This sequence change affects a donor splice site in intron 14 of the NF2 gene. It is expected to disrupt RNA splicing. Variants that disrupt the donor or acceptor splice site typically lead to a loss of protein function (PMID: 16199547), and loss-of-function variants in NF2 are known to be pathogenic (PMID: 9643284, 16983642). This variant is not present in population databases (gnomAD no frequency). Disruption of this splice site has been observed in individuals with neurofibromatosis type 2 (PMID: 15684865, 21563229; Invitae). Algorithms developed to predict the effect of sequence changes on RNA splicing suggest that this variant may disrupt the consensus splice site. For these reasons, this variant has been classified as Pathogenic.

Literature cited by the submitters: PubMed 16199547; PubMed 9643284; PubMed 16983642; PubMed 15684865; PubMed 21563229.